The following is an entry in ClinVar:

ClinVar aggregate classification (germline): Uncertain significance (1 of 4 stars; one submission).

Conditions:
Charcot-Marie-Tooth disease axonal type 2Z. Also called: CHARCOT-MARIE-TOOTH DISEASE, AXONAL, AUTOSOMAL DOMINANT, TYPE 2Z; CHARCOT-MARIE-TOOTH NEUROPATHY, TYPE 2Z. Identifiers: Orphanet 466768, MedGen C5569025, MONDO:0014736, OMIM 616688.

Allele frequency attached by ClinVar (database versions not stated): TOPMed below 0.00001.

Submission:

Labcorp Genetics (formerly Invitae), Labcorp
Classification: Uncertain significance for Charcot-Marie-Tooth disease axonal type 2Z. Last evaluated: 2024-11-05. Review status: criteria provided, single submitter. Criteria: Invitae Variant Classification Sherloc (09022015). Collection method: clinical testing. Allele origin: germline.
Comment: This sequence change falls in intron 18 of the MORC2 gene. It does not directly change the encoded amino acid sequence of the MORC2 protein. It affects a nucleotide within the consensus splice site. This variant is not present in population databases (gnomAD no frequency). This variant has not been reported in the literature in individuals affected with MORC2-related conditions. ClinVar contains an entry for this variant (Variation ID: 1475198). Variants that disrupt the consensus splice site are a relatively common cause of aberrant splicing (PMID: 17576681, 9536098). Algorithms developed to predict the effect of sequence changes on RNA splicing suggest that this variant is not likely to affect RNA splicing. In summary, the available evidence is currently insufficient to determine the role of this variant in disease. Therefore, it has been classified as a Variant of Uncertain Significance.

Literature cited by the submitters: PubMed 17576681; PubMed 9536098.

NM_001303256.3(MORC2):c.1813-3T>A

Gene: MORC2 (MORC family CW-type zinc finger 2; minus strand). Cytogenetic location: 22q12.2.
Variant type: single nucleotide variant.
Coding change: c.1813-3T>A on transcript NM_001303256.3 (MANE Select); 3 bases into the intron before coding-DNA position 1813, T replaced by A.
Molecular consequence: intron variant.
Genome position (GRCh38, 1-based): chr22:30,935,164, A>T on the plus strand (T>A on the coding strand, the complement: MORC2 is on the minus strand). VCF-style: chr22-30935164-A-T. GRCh37 (hg19) VCF-style: chr22-31331151-A-T.
Other names: c.1813-3T>A (NM_001303257.2); c.1627-3T>A (NM_014941.3).
Identifiers: ClinVar variation 1475198 (VCV001475198.6), dbSNP rs1825781520, ClinGen allele CA645600980.
Genomic context (GRCh38, chr22:30,935,164, plus strand): 5'-TCCTGATCACAGCAGGTAAAGGGGGCGACCGAGGACGCTGAGGTCTACGCACAGGTTCCT[A>T]AAAAAAGGCCCACAGAGAGTGAGAACACTGATCCTAGCATGAGACACCTGAGGAAAAGCC-3'